The following is an entry in ClinVar:

NM_001024630.4(RUNX2):c.*1133A>T

Gene: RUNX2 (RUNX family transcription factor 2; plus strand). Cytogenetic location: 6p21.1.
Variant type: single nucleotide variant.
Coding change: c.*1133A>T on transcript NM_001024630.4 (MANE Select); 1133 bases downstream of the stop codon, A replaced by T.
Molecular consequence: 3 prime UTR variant.
Genome position (GRCh38, 1-based): chr6:45,548,438, A>T. VCF-style: chr6-45548438-A-T. GRCh37 (hg19) VCF-style: chr6-45516175-A-T.
Other names: c.*1133A>T (NM_001015051.4, NM_001278478.2, NM_001369405.1).
Identifiers: ClinVar variation 911223 (VCV000911223.4), dbSNP rs188598788, ClinGen allele CA138460760.

ClinVar aggregate classification (germline): Benign (1 of 4 stars; one submission).

Conditions:
Cleidocranial dysostosis (CLCD1). Also called: Marie-Sainton disease; cleidocranial dysplasia 1; Cleidocranial Dysplasia Spectrum Disorder. Identifiers: Orphanet 1452, MedGen C0008928, MONDO:0007340, OMIM 119600.

Allele frequency attached by ClinVar (database versions not stated): gnomAD 0.00014 and 0.00021; TOPMed 0.00022; 1000 Genomes Project 30x 0.00078; 1000 Genomes Project 0.00080.
gnomAD v4.1: 33 of 152,752 alleles (0.022%); highest among the groups gnomAD compares: East Asian, 0.41%; no homozygotes.

Submission:

Illumina Laboratory Services, Illumina
Classification: Benign for Cleidocranial dysostosis. Last evaluated: 2018-01-13. Review status: criteria provided, single submitter. Criteria: ICSL Variant Classification Criteria 13 December 2019. Collection method: clinical testing. Allele origin: germline.
Comment: This variant was observed in the ICSL laboratory as part of a predisposition screen in an ostensibly healthy population. It had not been previously curated by ICSL or reported in the Human Gene Mutation Database (HGMD: prior to June 1st, 2018), and was therefore a candidate for classification through an automated scoring system. Utilizing variant allele frequency, disease prevalence and penetrance estimates, and inheritance mode, an automated score was calculated to assess if this variant is too frequent to cause the disease. Based on the score and internal cut-off values, a variant classified as benign is not then subjected to further curation. The score for this variant resulted in a classification of benign for this disease.